The following is an entry in ClinVar:

NM_017553.3(INO80):c.399T>C (p.Asp133=)

Gene: INO80 (INO80 complex ATPase subunit; minus strand). Cytogenetic location: 15q15.1.
Variant type: single nucleotide variant.
Coding change: c.399T>C on transcript NM_017553.3 (MANE Select); coding-DNA position 399, T replaced by C.
Protein change: p.Asp133=; no amino-acid change (aspartic acid 133 retained).
Molecular consequence: synonymous variant. On other transcripts: non-coding transcript variant (1).
Genome position (GRCh38, 1-based): chr15:41,092,165, A>G on the plus strand (T>C on the coding strand, the complement: INO80 is on the minus strand). VCF-style: chr15-41092165-A-G. GRCh37 (hg19) VCF-style: chr15-41384363-A-G.
Identifiers: ClinVar variation 797495 (VCV000797495.25), dbSNP rs778979367, ClinGen allele CA7489564.
Genomic context (GRCh38, chr15:41,092,165, plus strand): 5'-GCTGAGATTGAGTTCTTCTTCATCATCGTCTTCACTCTGAGAATCAGCCTCGCTGGATTC[A>G]TCACTTAGCAGAATGCTCTGAAAAGGGTGAAAATAGAAATGTATCTTTTGCTGTGAAGCA-3'
Protein context (NP_060023.1, residues 123-143): RKWLKSILLS[Asp133=]ESSEADSQSE

ClinVar aggregate classification (germline): Likely benign. Review status: criteria provided, multiple submitters, no conflicts (2 of 4 stars). 2 submissions from 2 submitters: Likely benign (2). Last evaluated 2023-12-01.

Allele frequency attached by ClinVar (database versions not stated): TOPMed 0.00002; ExAC 0.00003; gnomAD 0.00003 and 0.00004; gnomAD exomes 0.00003 and 0.00005.
gnomAD v4.1: 46 of 1,603,290 alleles (0.0029%); highest among the groups gnomAD compares: Non-Finnish European, 0.0038%; no homozygotes.

Submissions (2):

CeGaT Center for Human Genetics Tuebingen
Classification: Likely benign. Last evaluated: 2023-12-01. Review status: criteria provided, single submitter. Criteria: CeGaT Center For Human Genetics Tuebingen Variant Classification Criteria Version 2. Collection method: clinical testing. Allele origin: germline. Affected: yes. Observed: 1 variant allele.
Comment: INO80: BP4, BP7

Labcorp Genetics (formerly Invitae), Labcorp
Classification: Likely benign. Last evaluated: 2019-01-02. Review status: criteria provided, single submitter. Criteria: Invitae Variant Classification Sherloc (09022015). Collection method: clinical testing. Allele origin: germline.